The following is an entry in ClinVar:

ClinVar aggregate classification (germline): Pathogenic. Review status: reviewed by expert panel (3 of 4 stars). 2 submissions from 2 submitters: Pathogenic (1). 1 of the submissions does not count toward it. Last evaluated 2017-12-15.

Conditions:
Breast-ovarian cancer, familial, susceptibility to, 1 (BROVCA1). Also called: BRCA1 Hereditary Breast and Ovarian Cancer; OVARIAN CANCER, SUSCEPTIBILITY TO. Identifiers: Orphanet 145, MedGen C2676676, MONDO:0011450, OMIM 604370. Disease mechanism: loss of function.
Familial cancer of breast. Also called: hereditary breast carcinoma; BREAST CANCER, FAMILIAL; Hereditary breast cancer. Identifiers: Orphanet 227535, MedGen C0346153, MONDO:0016419, OMIM 114480. Disease mechanism: loss of function.

Submissions (2):

Evidence-based Network for the Interpretation of Germline Mutant Alleles (ENIGMA)
Classification: Pathogenic for Breast-ovarian cancer, familial, susceptibility to, 1. Last evaluated: 2017-12-15. Review status: reviewed by expert panel. Criteria: ENIGMA BRCA1/2 Classification Criteria (2017-06-29). Collection method: curation. Allele origin: germline. Study: ENIGMA.
Comment: Variant allele predicted to encode a truncated non-functional protein.

ClinVar Staff, National Center for Biotechnology Information (NCBI)
No classification provided. Condition: Familial cancer of breast. Review status: no classification provided. Collection method: literature only. Allele origin: germline. Affected: yes. Not counted in ClinVar's aggregate classification.

Literature cited by the submitters: PubMed 10528853 (cited by ClinVar Staff, National Center for Biotechnology Information (NCBI)).

NM_007294.4(BRCA1):c.3649dup (p.Ser1217fs)

Genes: BRCA1 (BRCA1 DNA repair associated; minus strand), LOC126862571 (BRD4-independent group 4 enhancer GRCh37_chr17:41243136-41244335; plus strand). Cytogenetic location: 17q21.31.
Variant type: Duplication.
Coding change: c.3649dup on transcript NM_007294.4 (MANE Select); coding-DNA position 3649, one base duplicated (T; older notation c.3649dupT).
Protein change: p.Ser1217fs; shifts the reading frame from serine 1217.
Molecular consequence: frameshift variant. On other transcripts: intron variant (135).
Genome position (GRCh38, 1-based): chr17:43,091,882, A duplicated on the plus strand (T on the coding strand, the reverse complement: BRCA1 is on the minus strand). VCF-style (leftmost placement, unchanged base first): chr17-43091881-G-GA. GRCh37 (hg19) VCF-style: chr17-41243898-G-GA.
Other names: c.3439dup, p.Ser1147fs (NM_001407902.1, NM_001407904.1, NM_001407906.1 and 13 more transcripts); c.3436dup, p.Ser1146fs (NM_001407915.1, NM_001407916.1, NM_001407917.1 and 9 more transcripts); c.3526dup, p.Ser1176fs (NM_001407919.1, NM_001407937.1, NM_001407938.1 and 19 more transcripts); c.3385dup, p.Ser1129fs (NM_001407920.1, NM_001407921.1, NM_001407922.1 and 9 more transcripts); c.3382dup, p.Ser1128fs (NM_001407930.1, NM_001407931.1, NM_001407932.1 and 2 more transcripts); c.3523dup, p.Ser1175fs (NM_001407940.1, NM_001407941.1, NM_001407649.1 and 11 more transcripts); c.3508dup, p.Ser1170fs (NM_001407942.1, NM_001407944.1, NM_001407945.1 and 29 more transcripts); c.3505dup, p.Ser1169fs (NM_001407943.1, NM_001407964.1, NM_001407740.1 and 20 more transcripts); and 42 more; short protein forms S1217fs, S1170fs, S1106fs, S1128fs, S1129fs, S1147fs, S1176fs, S1190fs.
Identifiers: ClinVar variation 54954 (VCV000054954.3), dbSNP rs1555587345, ClinGen allele CA327886.